The following is an entry in ClinVar:

NM_001159699.2(FHL1):c.199T>C (p.Ser67Pro)

Gene: FHL1 (four and a half LIM domains 1; plus strand). Cytogenetic location: Xq26.3.
Variant type: single nucleotide variant.
Coding change: c.199T>C on transcript NM_001159699.2 (MANE Select); coding-DNA position 199, T replaced by C.
Protein change: p.Ser67Pro; replaces serine 67 with proline.
Molecular consequence: missense variant. On other transcripts: non-coding transcript variant (1).
Genome position (GRCh38, 1-based): chrX:136,206,583, T>C. VCF-style: chrX-136206583-T-C. GRCh37 (hg19) VCF-style: chrX-135288742-T-C.
Other names: c.151T>C, p.Ser51Pro (NM_001159700.2, NM_001159702.3, NM_001159703.2 and 9 more transcripts); c.238T>C, p.Ser80Pro (NM_001159701.2); c.199T>C, p.Ser67Pro (NM_001330659.2); short protein forms S67P, S51P, S80P.
Identifiers: ClinVar variation 2892373 (VCV002892373.17), dbSNP rs2521251136, ClinGen allele CA414607850.

ClinVar aggregate classification (germline): Uncertain significance. Review status: criteria provided, multiple submitters, no conflicts (2 of 4 stars). 2 submissions from 2 submitters: Uncertain significance (2). Last evaluated 2024-09-01.

Conditions:
X-linked myopathy with postural muscle atrophy. Also called: FHL1-Related Emery-Dreifuss Muscular Dystrophy, X-Linked. Identifiers: Orphanet 178461, MedGen C2678055, MONDO:0010401, OMIM 300696.

Submissions (2):

CeGaT Center for Human Genetics Tuebingen
Classification: Uncertain significance. Last evaluated: 2024-09-01. Review status: criteria provided, single submitter. Criteria: CeGaT Center For Human Genetics Tuebingen Variant Classification Criteria Version 2. Collection method: clinical testing. Allele origin: germline. Affected: yes. Observed: 1 variant allele.
Comment: FHL1: PM2

Labcorp Genetics (formerly Invitae), Labcorp
Classification: Uncertain significance for X-linked myopathy with postural muscle atrophy. Last evaluated: 2023-12-31. Review status: criteria provided, single submitter. Criteria: Invitae Variant Classification Sherloc (09022015). Collection method: clinical testing. Allele origin: germline.
Comment: This sequence change replaces serine, which is neutral and polar, with proline, which is neutral and non-polar, at codon 51 of the FHL1 protein (p.Ser51Pro). This variant is not present in population databases (gnomAD no frequency). This variant has not been reported in the literature in individuals affected with FHL1-related conditions. An algorithm developed to predict the effect of missense changes on protein structure and function (PolyPhen-2) suggests that this variant is likely to be disruptive. In summary, the available evidence is currently insufficient to determine the role of this variant in disease. Therefore, it has been classified as a Variant of Uncertain Significance.